The following is an entry in ClinVar:

ClinVar aggregate classification (germline): Uncertain significance. Review status: criteria provided, multiple submitters, no conflicts (2 of 4 stars). 2 submissions from 2 submitters: Uncertain significance (2). Last evaluated 2025-08-13.

Conditions:
Congenital myasthenic syndrome 8. Also called: MYASTHENIC SYNDROME, CONGENITAL, DUE TO AGRIN DEFICIENCY; Myasthenic syndrome, congenital, 8, with pre- and postsynaptic defects. Identifiers: Orphanet 590, MedGen C3808739, MONDO:0014052, OMIM 615120.
Inborn genetic diseases. Identifiers: MedGen C0950123, MeSH D030342.

Allele frequency attached by ClinVar (database versions not stated): gnomAD exomes 0.00003 and 0.00005; TOPMed 0.00003; gnomAD 0.00004 and 0.00003; ExAC 0.00002.
gnomAD v4.1: 77 of 1,603,656 alleles (0.0048%); highest among the groups gnomAD compares: Non-Finnish European, 0.0064%; no homozygotes.

Submissions (2):

Ambry Genetics
Classification: Uncertain significance for Inborn genetic diseases. Last evaluated: 2025-08-13. Review status: criteria provided, single submitter. Criteria: Ambry Variant Classification Scheme 2023. Collection method: clinical testing. Allele origin: germline.

Labcorp Genetics (formerly Invitae), Labcorp
Classification: Uncertain significance for Congenital myasthenic syndrome 8. Last evaluated: 2021-08-31. Review status: criteria provided, single submitter. Criteria: Invitae Variant Classification Sherloc (09022015). Collection method: clinical testing. Allele origin: germline.
Comment: This sequence change replaces proline with serine at codon 565 of the AGRN protein (p.Pro565Ser). The proline residue is highly conserved and there is a moderate physicochemical difference between proline and serine. This variant is present in population databases (rs760195130, ExAC 0.003%). This variant has not been reported in the literature in individuals affected with AGRN-related conditions. Algorithms developed to predict the effect of missense changes on protein structure and function are either unavailable or do not agree on the potential impact of this missense change (SIFT: "Deleterious"; PolyPhen-2: "Possibly Damaging"; Align-GVGD: "Class C0"). In summary, the available evidence is currently insufficient to determine the role of this variant in disease. Therefore, it has been classified as a Variant of Uncertain Significance.

NM_198576.4(AGRN):c.1693C>T (p.Pro565Ser)

Gene: AGRN (agrin; plus strand). Cytogenetic location: 1p36.33.
Variant type: single nucleotide variant.
Coding change: c.1693C>T on transcript NM_198576.4 (MANE Select); coding-DNA position 1693, C replaced by T.
Protein change: p.Pro565Ser; replaces proline 565 with serine.
Molecular consequence: missense variant.
Genome position (GRCh38, 1-based): chr1:1,043,627, C>T. VCF-style: chr1-1043627-C-T. GRCh37 (hg19) VCF-style: chr1-979007-C-T.
Other names: c.1693C>T, p.Pro565Ser (NM_001305275.2); c.1378C>T, p.Pro460Ser (NM_001364727.2); short protein forms P565S, P460S.
Identifiers: ClinVar variation 837371 (VCV000837371.8), dbSNP rs760195130, ClinGen allele CA508295.
Genomic context (GRCh38, chr1:1,043,627, plus strand): 5'-CTGTGCGAGGCCGAGACCGGGCGCTGCGTGTGCCCCTCTGAATGCGTGGCTTTGGCCCAG[C>T]CCGTGTGTGGCTCCGACGGGCACACGTACCCCAGCGAGTGCATGCTGCACGTGCACGCCT-3'
Protein context (NP_940978.2, residues 555-575): CPSECVALAQ[Pro565Ser]VCGSDGHTYP